The following is an entry in ClinVar:

ClinVar aggregate classification (germline): Conflicting classifications of pathogenicity. Review status: criteria provided, conflicting classifications (1 of 4 stars). 8 submissions from 8 submitters: Uncertain significance (6); Likely benign (2). Last evaluated 2026-01-20.

Conditions:
Cardiovascular phenotype. Identifiers: MedGen CN230736.
ALPK3-related disorder. Also called: ALPK3-related condition.
Cardiomyopathy, familial hypertrophic 27. Identifiers: MedGen C4748014, MONDO:0054838, OMIM 618052.

Allele frequency attached by ClinVar (database versions not stated): gnomAD 0.00013 and 0.00014; ExAC 0.00014; TOPMed 0.00014; gnomAD exomes 0.00018 and 0.00028.
gnomAD v4.1: 430 of 1,614,078 alleles (0.027%); highest among the groups gnomAD compares: Non-Finnish European, 0.033%; no homozygotes.

Submissions (8):

PreventionGenetics, part of Exact Sciences
Classification: Uncertain significance for ALPK3-related condition. Last evaluated: 2026-01-20. Review status: criteria provided, single submitter. Criteria: ACMG Guidelines, 2015. Collection method: clinical testing. Allele origin: germline.
Comment: The ALPK3 c.781T>C variant is predicted to result in the amino acid substitution p.Ser261Pro. To our knowledge, this variant has not been reported in the literature. This variant is reported in 0.028% of alleles in individuals of Latino descent in gnomAD. At this time, the clinical significance of this variant is uncertain due to the absence of conclusive functional and genetic evidence.

Labcorp Genetics (formerly Invitae), Labcorp
Classification: Uncertain significance. Last evaluated: 2026-01-19. Review status: criteria provided, single submitter. Criteria: Invitae Variant Classification Sherloc (09022015). Collection method: clinical testing. Allele origin: germline.
Comment: This sequence change replaces serine, which is neutral and polar, with proline, which is neutral and non-polar, at codon 261 of the ALPK3 protein (p.Ser261Pro). This variant is present in population databases (rs750401200, gnomAD 0.03%). This variant has not been reported in the literature in individuals affected with ALPK3-related conditions. ClinVar contains an entry for this variant (Variation ID: 1190103). An algorithm developed to predict the effect of missense changes on protein structure and function (PolyPhen-2) suggests that this variant is likely to be tolerated. In summary, the available evidence is currently insufficient to determine the role of this variant in disease. Therefore, it has been classified as a Variant of Uncertain Significance.

Molecular Diagnostic Laboratory for Inherited Cardiovascular Disease, Montreal Heart Institute
Classification: Likely benign. Last evaluated: 2025-04-09. Review status: criteria provided, single submitter. Criteria: ACMG Guidelines, 2015. Collection method: clinical testing. Allele origin: germline. Affected: no.
Comment: BP1, BP5

Ambry Genetics
Classification: Uncertain significance for Cardiovascular phenotype. Last evaluated: 2024-12-20. Review status: criteria provided, single submitter. Criteria: Ambry Variant Classification Scheme 2023. Collection method: clinical testing. Allele origin: germline.
Comment: The p.S261P variant (also known as c.781T>C), located in coding exon 2 of the ALPK3 gene, results from a T to C substitution at nucleotide position 781. The serine at codon 261 is replaced by proline, an amino acid with similar properties. This amino acid position is well conserved in available vertebrate species. In addition, this alteration is predicted to be tolerated by in silico analysis. Since supporting evidence is limited at this time, the clinical significance of this alteration remains unclear.

Blueprint Genetics
Classification: Likely benign. Last evaluated: 2024-07-09. Review status: criteria provided, single submitter. Criteria: ACMG Guidelines, 2015. Collection method: clinical testing. Allele origin: germline.

GeneDx
Classification: Uncertain significance. Last evaluated: 2023-10-26. Review status: criteria provided, single submitter. Criteria: GeneDx Variant Classification Process June 2021. Collection method: clinical testing. Allele origin: germline. Affected: yes.
Comment: In silico analysis supports that this missense variant does not alter protein structure/function; Has not been previously published as pathogenic or benign to our knowledge

Revvity Omics, Revvity
Classification: Uncertain significance for Cardiomyopathy, familial hypertrophic 27. Last evaluated: 2023-02-14. Review status: criteria provided, single submitter. Criteria: ACMG Guidelines, 2015. Collection method: clinical testing. Allele origin: germline.

Clinical Genomics Laboratory, Stanford Medicine
Classification: Uncertain significance for Cardiomyopathy, familial hypertrophic 27. Last evaluated: 2021-07-26. Review status: criteria provided, single submitter. Criteria: ACMG Guidelines, 2015. Collection method: clinical testing. Allele origin: germline. Affected: yes. Observed: 1 heterozygote.
Comment: The p.Ser261Pro variant in the ALPK3gene has not been previously reported in association with disease. This variant has been identified in 10/35,430 Latino/Admixed American chromosomes (48/282,876 chromosomes overall) by the Genome Aggregation Database. Although this variant has been seen in the general population, its frequency is low enough to be consistent with a recessive carrier frequency. The serine at position 261 is fairly evolutionarily conservedin mammals, although 1 mammalian species (shrew) has a proline at this position. Computational tools predict that the p.Ser261Pro variant does not impact protein function; however, the accuracy of in silicoalgorithms is limited.•These data were assessed using the ACMG/AMP variant interpretation guidelines. In summary, the significance of thep.Ser261Provariant is uncertain. Additional information is needed to resolve the significance of this variant. [ACMG evidence codes used: BP4]

NM_020778.5(ALPK3):c.175T>C (p.Ser59Pro)

Gene: ALPK3 (alpha kinase 3; plus strand). Cytogenetic location: 15q25.3.
Variant type: single nucleotide variant.
Coding change: c.175T>C on transcript NM_020778.5 (MANE Select); coding-DNA position 175, T replaced by C.
Protein change: p.Ser59Pro; replaces serine 59 with proline.
Molecular consequence: missense variant.
Genome position (GRCh38, 1-based): chr15:84,823,361, T>C. VCF-style: chr15-84823361-T-C. GRCh37 (hg19) VCF-style: chr15-85366592-T-C.
Other names: p.Ser261Pro; short protein forms S59P.
Identifiers: ClinVar variation 1190103 (VCV001190103.20), dbSNP rs750401200, ClinGen allele CA7708862.